The following is an entry in ClinVar:

NM_006393.3(NEBL):c.959A>G (p.Asp320Gly)

Gene: NEBL (nebulette; minus strand). Cytogenetic location: 10p12.31.
Variant type: single nucleotide variant.
Coding change: c.959A>G on transcript NM_006393.3 (MANE Select); coding-DNA position 959, A replaced by G.
Protein change: p.Asp320Gly; replaces aspartic acid 320 with glycine.
Molecular consequence: missense variant. On other transcripts: intron variant (9).
Genome position (GRCh38, 1-based): chr10:20,852,594, T>C on the plus strand (A>G on the coding strand, the complement: NEBL is on the minus strand). VCF-style: chr10-20852594-T-C. GRCh37 (hg19) VCF-style: chr10-21141523-T-C.
Other names: c.250-39654A>G (NM_001377326.1, NM_001377327.1, NM_001377328.1); c.358-39654A>G (NM_213569.2, NM_001173484.2, NM_001377322.1); c.301-39654A>G (NM_001377324.1); c.292-39654A>G (NM_001377325.1); c.310-39654A>G (NM_001377323.1); short protein forms D320G.
Identifiers: ClinVar variation 2046900 (VCV002046900.6), dbSNP rs1046589298, ClinGen allele CA204181489.

ClinVar aggregate classification (germline): Uncertain significance. Review status: criteria provided, multiple submitters, no conflicts (2 of 4 stars). 3 submissions from 3 submitters: Uncertain significance (3). Last evaluated 2025-08-06.

Conditions:
NEBL-related disorder. Also called: NEBL-related condition.
Primary dilated cardiomyopathy (DCM). Also called: Dilated Cardiomyopathy. Identifiers: Orphanet 217604, MedGen C0007193, MeSH D002311, MONDO:0005021, HP:0001644. Inheritance: Various modes of inheritance.

Allele frequency attached by ClinVar (database versions not stated): gnomAD exomes below 0.00001; gnomAD 0.00001; TOPMed 0.00003.
gnomAD v4.1: 5 of 1,613,890 alleles (0.00031%); highest among the groups gnomAD compares: Non-Finnish European, 0.00025%; no homozygotes.

Submissions (3):

PreventionGenetics, part of Exact Sciences
Classification: Uncertain significance for NEBL-related condition. Last evaluated: 2025-08-06. Review status: criteria provided, single submitter. Criteria: ACMG Guidelines, 2015. Collection method: clinical testing. Allele origin: germline.
Comment: The NEBL c.959A>G variant is predicted to result in the amino acid substitution p.Asp320Gly. To our knowledge, this variant has not been reported in the literature or in a large population database (gnomAD), indicating this variant is rare. At this time, the clinical significance of this variant is uncertain due to the absence of conclusive functional and genetic evidence.

Labcorp Genetics (formerly Invitae), Labcorp
Classification: Uncertain significance for Primary dilated cardiomyopathy. Last evaluated: 2024-11-03. Review status: criteria provided, single submitter. Criteria: Invitae Variant Classification Sherloc (09022015). Collection method: clinical testing. Allele origin: germline.
Comment: This sequence change replaces aspartic acid, which is acidic and polar, with glycine, which is neutral and non-polar, at codon 320 of the NEBL protein (p.Asp320Gly). This variant is not present in population databases (gnomAD no frequency). This variant has not been reported in the literature in individuals affected with NEBL-related conditions. ClinVar contains an entry for this variant (Variation ID: 2046900). An algorithm developed to predict the effect of missense changes on protein structure and function (PolyPhen-2) suggests that this variant is likely to be disruptive. Algorithms developed to predict the effect of sequence changes on RNA splicing suggest that this variant may create or strengthen a splice site. In summary, the available evidence is currently insufficient to determine the role of this variant in disease. Therefore, it has been classified as a Variant of Uncertain Significance.

Ambry Genetics
Classification: Uncertain significance. Last evaluated: 2021-08-04. Review status: criteria provided, single submitter. Criteria: Ambry Variant Classification Scheme 2023. Collection method: clinical testing. Allele origin: germline.